The following is an entry in ClinVar:

ClinVar aggregate classification (germline): Likely pathogenic (1 of 4 stars; one submission).

Conditions:
Dilated cardiomyopathy 1KK (CMD1KK). Identifiers: Orphanet 154, Orphanet 75249, MedGen C3714995, MONDO:0014100, OMIM 615248.

Submission:

Labcorp Genetics (formerly Invitae), Labcorp
Classification: Likely pathogenic for Dilated cardiomyopathy 1KK. Last evaluated: 2022-04-07. Review status: criteria provided, single submitter. Criteria: Invitae Variant Classification Sherloc (09022015). Collection method: clinical testing. Allele origin: germline.
Comment: In summary, the currently available evidence indicates that the variant is pathogenic, but additional data are needed to prove that conclusively. Therefore, this variant has been classified as Likely Pathogenic. Algorithms developed to predict the effect of sequence changes on RNA splicing suggest that this variant may disrupt the consensus splice site. Disruption of this splice site has been observed in individual(s) with nemaline myopathy (PMID: 34184449). This variant is not present in population databases (gnomAD no frequency). This sequence change affects a donor splice site in intron 10 of the MYPN gene. It is expected to disrupt RNA splicing. Variants that disrupt the donor or acceptor splice site typically lead to a loss of protein function (PMID: 16199547), and loss-of-function variants in MYPN are known to be pathogenic (PMID: 28017374).

Literature cited by the submitters: PubMed 34184449; PubMed 16199547; PubMed 28017374.

NM_032578.4(MYPN):c.1973+1G>A

Gene: MYPN (myopalladin; plus strand). Cytogenetic location: 10q21.3.
Variant type: single nucleotide variant.
Coding change: c.1973+1G>A on transcript NM_032578.4 (MANE Select); the canonical splice donor site of the intron after coding-DNA position 1973, G replaced by A.
Molecular consequence: splice donor variant.
Genome position (GRCh38, 1-based): chr10:68,166,667, G>A. VCF-style: chr10-68166667-G-A. GRCh37 (hg19) VCF-style: chr10-69926424-G-A.
Other names: c.1973+1G>A (NM_001256267.2); c.1091+1G>A (NM_001256268.2).
Identifiers: ClinVar variation 2122465 (VCV002122465.4), dbSNP rs2495738570, ClinGen allele CA376841185.